The following is an entry in ClinVar:

ClinVar aggregate classification (germline): Uncertain significance (1 of 4 stars; one submission).

Submission:

Labcorp Genetics (formerly Invitae), Labcorp
Classification: Uncertain significance. Last evaluated: 2022-07-11. Review status: criteria provided, single submitter. Criteria: Invitae Variant Classification Sherloc (09022015). Collection method: clinical testing. Allele origin: germline.
Comment: This variant is not present in population databases (gnomAD no frequency). In summary, the available evidence is currently insufficient to determine the role of this variant in disease. Therefore, it has been classified as a Variant of Uncertain Significance. This sequence change replaces cysteine, which is neutral and slightly polar, with arginine, which is basic and polar, at codon 197 of the TK2 protein (p.Cys197Arg). This variant has not been reported in the literature in individuals affected with TK2-related conditions. Algorithms developed to predict the effect of missense changes on protein structure and function are either unavailable or do not agree on the potential impact of this missense change (SIFT: "Deleterious"; PolyPhen-2: "Possibly Damaging"; Align-GVGD: "Class C0").

NM_004614.5(TK2):c.589T>C (p.Cys197Arg)

Gene: TK2 (thymidine kinase 2; minus strand). Cytogenetic location: 16q21.
Variant type: single nucleotide variant.
Coding change: c.589T>C on transcript NM_004614.5 (MANE Select); coding-DNA position 589, T replaced by C.
Protein change: p.Cys197Arg; replaces cysteine 197 with arginine.
Molecular consequence: missense variant. On other transcripts: non-coding transcript variant (1), intron variant (1).
Genome position (GRCh38, 1-based): chr16:66,517,165, A>G on the plus strand (T>C on the coding strand, the complement: TK2 is on the minus strand). VCF-style: chr16-66517165-A-G. GRCh37 (hg19) VCF-style: chr16-66551068-A-G.
Other names: c.496T>C, p.Cys166Arg (NM_001172643.1); c.514T>C, p.Cys172Arg (NM_001172644.2); c.535T>C, p.Cys179Arg (NM_001172645.2); c.442T>C, p.Cys148Arg (NM_001271934.2); c.298T>C, p.Cys100Arg (NM_001272050.2); c.357-3354T>C (NM_001271935.1); short protein forms C166R, C172R, C197R, C148R, C179R, C100R.
Identifiers: ClinVar variation 1937183 (VCV001937183.5), dbSNP rs1331084271, ClinGen allele CA396187694.
Genomic context (GRCh38, chr16:66,517,165, plus strand): 5'-TGTCTTTAACCAAGTCAAAGAGGCCTCTTACCAGCGGAATGACCTTCTCCTCTTCCCTGC[A>G]TCTCTTCTTTAACCTCTGGTAACAAGTCTCAGGATTGGTCCGAAGGTAAACTGAGGTTAA-3'
Protein context (NP_004605.4, residues 187-207): ETCYQRLKKR[Cys197Arg]REEEKVIPLE